The following is an entry in ClinVar:

ClinVar aggregate classification (germline): Uncertain significance (1 of 4 stars; one submission).

Conditions:
Early Myoclonic Encephalopathy. Identifiers: MedGen C0270855.

Allele frequency attached by ClinVar (database versions not stated): gnomAD exomes below 0.00001; ExAC 0.00001.
gnomAD v4.1: 3 of 1,614,056 alleles (0.00019%); highest among the groups gnomAD compares: Non-Finnish European, 0.00025%; no homozygotes.

Submission:

Labcorp Genetics (formerly Invitae), Labcorp
Classification: Uncertain significance for Early Myoclonic Encephalopathy. Last evaluated: 2020-01-18. Review status: criteria provided, single submitter. Criteria: Invitae Variant Classification Sherloc (09022015). Collection method: clinical testing. Allele origin: germline.
Comment: This sequence change replaces isoleucine with leucine at codon 1737 of the JMJD1C protein (p.Ile1737Leu). The isoleucine residue is highly conserved and there is a small physicochemical difference between isoleucine and leucine. This variant is present in population databases (rs745678602, ExAC 0.002%). This variant has not been reported in the literature in individuals with JMJD1C-related conditions. Algorithms developed to predict the effect of missense changes on protein structure and function (SIFT, PolyPhen-2, Align-GVGD) all suggest that this variant is likely to be tolerated, but these predictions have not been confirmed by published functional studies and their clinical significance is uncertain. In summary, the available evidence is currently insufficient to determine the role of this variant in disease. Therefore, it has been classified as a Variant of Uncertain Significance.

NM_032776.3(JMJD1C):c.5209A>C (p.Ile1737Leu)

Gene: JMJD1C (jumonji domain containing 1C; minus strand). Cytogenetic location: 10q21.3.
Variant type: single nucleotide variant.
Coding change: c.5209A>C on transcript NM_032776.3 (MANE Select); coding-DNA position 5209, A replaced by C.
Protein change: p.Ile1737Leu; replaces isoleucine 1737 with leucine.
Molecular consequence: missense variant.
Genome position (GRCh38, 1-based): chr10:63,200,543, T>G on the plus strand (A>C on the coding strand, the complement: JMJD1C is on the minus strand). VCF-style: chr10-63200543-T-G. GRCh37 (hg19) VCF-style: chr10-64960303-T-G.
Other names: c.4552A>C, p.Ile1518Leu (NM_001322258.2, NM_001322254.2); c.4663A>C, p.Ile1555Leu (NM_001282948.2, NM_001318154.2); c.4345A>C, p.Ile1449Leu (NM_001318153.2); c.5095A>C, p.Ile1699Leu (NM_001322252.2); short protein forms I1449L, I1518L, I1555L, I1699L, I1737L.
Identifiers: ClinVar variation 1010605 (VCV001010605.9), dbSNP rs745678602, ClinGen allele CA5518135.
Genomic context (GRCh38, chr10:63,200,543, plus strand): 5'-AGTAGTAAAATCTACAAAATACTGGTGAGTGAGCTGGTTCTTCTCCTTTTTTACTGCGAA[T>G]AAGTCTACATTCTCGACACTTTTGTAAATTAGGCCCTATCTCACAGCAGGAGTCATCCTG-3'
Protein context (NP_116165.1, residues 1727-1747): NLQKCRECRL[Ile1737Leu]RSKKGEEPAH